The following is an entry in ClinVar:

ClinVar aggregate classification (germline): Uncertain significance (1 of 4 stars; one submission).

Conditions:
Inborn genetic diseases. Identifiers: MedGen C0950123, MeSH D030342.

gnomAD v4.1: 6 of 1,603,822 alleles (0.00037%); highest among the groups gnomAD compares: Non-Finnish European, 0.00051%; no homozygotes.

Submission:

Ambry Genetics
Classification: Uncertain significance for Inborn genetic diseases. Last evaluated: 2026-06-08. Review status: criteria provided, single submitter. Criteria: Ambry Variant Classification Scheme 2023. Collection method: clinical testing. Allele origin: germline.
Comment: The p.P5L variant (also known as c.14C>T), located in coding exon 1 of the USB1 gene, results from a C to T substitution at nucleotide position 14. The proline at codon 5 is replaced by leucine, an amino acid with similar properties. This amino acid position is conserved. In addition, this alteration is predicted to be tolerated by in silico analysis. Based on the available evidence, the clinical significance of this variant remains unclear.

NM_024598.4(USB1):c.14C>T (p.Pro5Leu)

Genes: USB1 (U6 snRNA biogenesis phosphodiesterase 1; plus strand), LOC112469011 (Sharpr-MPRA regulatory region 3942; plus strand). Cytogenetic location: 16q21.
Variant type: single nucleotide variant.
Coding change: c.14C>T on transcript NM_024598.4 (MANE Select); coding-DNA position 14, C replaced by T.
Protein change: p.Pro5Leu; replaces proline 5 with leucine.
Molecular consequence: missense variant. On other transcripts: intron variant (1).
Genome position (GRCh38, 1-based): chr16:58,001,497, C>T. VCF-style: chr16-58001497-C-T. GRCh37 (hg19) VCF-style: chr16-58035401-C-T.
Other names: c.14C>T, p.Pro5Leu (NM_001195302.2, NM_001204911.2, NM_001330569.2); c.-55-982C>T (NM_001330568.2); short protein forms P5L.
Identifiers: ClinVar variation 4866375 (VCV004866375.1).
Genomic context (GRCh38, chr16:58,001,497, plus strand): 5'-GTTGAGGTTGCTGGTGGACCTGCTCTGGTGGTCTTGGATGAGGCCCCATGAGCGCGGCGC[C>T]CCTGGTGGGCTACAGCAGCAGCGGCTCCGAGGATGAGTCCGAGGACGGGATGCGGACCAG-3'
Protein context (NP_078874.2, residues 1-15): MSAA[Pro5Leu]LVGYSSSGSE